The following is an entry in ClinVar:

NM_001363711.2(DUOX2):c.14G>C (p.Arg5Thr)

Gene: DUOX2 (dual oxidase 2; minus strand). Cytogenetic location: 15q21.1.
Variant type: single nucleotide variant.
Coding change: c.14G>C on transcript NM_001363711.2 (MANE Select); coding-DNA position 14, G replaced by C.
Protein change: p.Arg5Thr; replaces arginine 5 with threonine.
Molecular consequence: missense variant.
Genome position (GRCh38, 1-based): chr15:45,113,398, C>G on the plus strand (G>C on the coding strand, the complement: DUOX2 is on the minus strand). VCF-style: chr15-45113398-C-G. GRCh37 (hg19) VCF-style: chr15-45405596-C-G.
Other names: c.14G>C, p.Arg5Thr (NM_014080.5); short protein forms R5T.
Identifiers: ClinVar variation 2767665 (VCV002767665.3), dbSNP rs868481095, ClinGen allele CA392280623.
Genomic context (GRCh38, chr15:45,113,398, plus strand): 5'-TTGCCCGATGGACCCAGGGATCCAGTCAGAAGAGCTCCCAGGAGCATCAGTGCCTCTGGT[C>G]TTGCACGGAGCATGCCAACCCTGCAGCCTGCGGGGTGAGGGTGGGGGTGGTAGGTGGTAT-3'
Protein context (NP_001350640.1, residues 1-15): MLRA[Arg5Thr]PEALMLLGAL

ClinVar aggregate classification (germline): Uncertain significance (1 of 4 stars; one submission).

Submission:

Labcorp Genetics (formerly Invitae), Labcorp
Classification: Uncertain significance. Last evaluated: 2023-10-11. Review status: criteria provided, single submitter. Criteria: Invitae Variant Classification Sherloc (09022015). Collection method: clinical testing. Allele origin: germline.
Comment: This sequence change replaces arginine, which is basic and polar, with threonine, which is neutral and polar, at codon 5 of the DUOX2 protein (p.Arg5Thr). This variant is not present in population databases (gnomAD no frequency). This variant has not been reported in the literature in individuals affected with DUOX2-related conditions. Advanced modeling of protein sequence and biophysical properties (such as structural, functional, and spatial information, amino acid conservation, physicochemical variation, residue mobility, and thermodynamic stability) performed at Invitae indicates that this missense variant is not expected to disrupt DUOX2 protein function. In summary, the available evidence is currently insufficient to determine the role of this variant in disease. Therefore, it has been classified as a Variant of Uncertain Significance.